The following is an entry in ClinVar:

NM_016373.4(WWOX):c.164T>G (p.Val55Gly)

Gene: WWOX (WW domain containing oxidoreductase; plus strand). Cytogenetic location: 16q23.1.
Variant type: single nucleotide variant.
Coding change: c.164T>G on transcript NM_016373.4 (MANE Select); coding-DNA position 164, T replaced by G.
Protein change: p.Val55Gly; replaces valine 55 with glycine.
Molecular consequence: missense variant. On other transcripts: non-coding transcript variant (1), intron variant (1).
Genome position (GRCh38, 1-based): chr16:78,108,479, T>G. VCF-style: chr16-78108479-T-G. GRCh37 (hg19) VCF-style: chr16-78142376-T-G.
Other names: c.164T>G, p.Val55Gly (NM_130791.5); c.-167-1299T>G (NM_001291997.2); short protein forms V55G.
Identifiers: ClinVar variation 1019524 (VCV001019524.7), dbSNP rs775944673, ClinGen allele CA396842101.
Genomic context (GRCh38, chr16:78,108,479, plus strand): 5'-ACAGTCACACCGAGGAGAAGACTCAGTGGGAACATCCAAAAACTGGAAAAAGAAAACGAG[T>G]GGCAGGAGGTTTGTATGTTGTTGTCTAAGGATCTTGGATGGAAGCATTAAGTAGATGAGG-3'
Protein context (NP_057457.1, residues 45-65): EHPKTGKRKR[Val55Gly]AGDLPYGWEQ

ClinVar aggregate classification (germline): Uncertain significance (1 of 4 stars; one submission).

Conditions:
Developmental and epileptic encephalopathy, 1 (DEE1). Also called: Tonic spasms with clustering, arrest of psychomotor development and hypsarrhythmia on EEG; X-Linked Infantile Spasm Syndrome; X-linked infantile spasms; West's syndrome; OHTAHARA SYNDROME, X-LINKED; Epileptic encephalopathy, early infantile, 1. Identifiers: MedGen C3463992, MONDO:0010632, OMIM 308350. Disease mechanism: loss of function.
Autosomal recessive spinocerebellar ataxia 12. Also called: SPINOCEREBELLAR ATAXIA WITH MENTAL RETARDATION AND EPILEPSY. Identifiers: Orphanet 284282, MedGen C3280452, MONDO:0013687, OMIM 614322.

Submission:

Labcorp Genetics (formerly Invitae), Labcorp
Classification: Uncertain significance for Developmental and epileptic encephalopathy, 1; Autosomal recessive spinocerebellar ataxia 12. Last evaluated: 2023-07-07. Review status: criteria provided, single submitter. Criteria: Invitae Variant Classification Sherloc (09022015). Collection method: clinical testing. Allele origin: germline.
Comment: In summary, the available evidence is currently insufficient to determine the role of this variant in disease. Therefore, it has been classified as a Variant of Uncertain Significance. An algorithm developed to predict the effect of missense changes on protein structure and function (PolyPhen-2) suggests that this variant is likely to be tolerated. ClinVar contains an entry for this variant (Variation ID: 1019524). This variant has not been reported in the literature in individuals affected with WWOX-related conditions. This variant is not present in population databases (gnomAD no frequency). This sequence change replaces valine, which is neutral and non-polar, with glycine, which is neutral and non-polar, at codon 55 of the WWOX protein (p.Val55Gly).